The following is an entry in ClinVar:

NM_004006.3(DMD):c.2017C>G (p.Gln673Glu)

Gene: DMD (dystrophin; minus strand). Cytogenetic location: Xp21.1.
Variant type: single nucleotide variant.
Coding change: c.2017C>G on transcript NM_004006.3 (MANE Select); coding-DNA position 2017, C replaced by G.
Protein change: p.Gln673Glu; replaces glutamine 673 with glutamic acid.
Molecular consequence: missense variant.
Genome position (GRCh38, 1-based): chrX:32,545,310, G>C on the plus strand (C>G on the coding strand, the complement: DMD is on the minus strand). VCF-style: chrX-32545310-G-C. GRCh37 (hg19) VCF-style: chrX-32563427-G-C.
Other names: c.1993C>G, p.Gln665Glu (NM_000109.4); c.2005C>G, p.Gln669Glu (NM_004009.3); c.1648C>G, p.Gln550Glu (NM_004010.3); short protein forms Q665E, Q673E, Q550E, Q669E.
Identifiers: ClinVar variation 1467637 (VCV001467637.7), dbSNP rs128626232, ClinGen allele CA412668606.

ClinVar aggregate classification (germline): Uncertain significance. Review status: criteria provided, multiple submitters, no conflicts (2 of 4 stars). 2 submissions from 2 submitters: Uncertain significance (2). Last evaluated 2024-12-27.

Conditions:
Dilated cardiomyopathy 3B (CMD3B). Also called: CMD3B: DMD-Related Dilated Cardiomyopathy; CARDIOMYOPATHY, DILATED, X-LINKED; DMD-Associated Dilated Cardiomyopathy. Identifiers: Orphanet 154, MedGen C3668940, MONDO:0010542, OMIM 302045.
Becker muscular dystrophy (BMD). Also called: Becker Muscular Dystrophy (BMD); MUSCULAR DYSTROPHY, PSEUDOHYPERTROPHIC PROGRESSIVE, BECKER TYPE. Identifiers: Orphanet 98895, MedGen C0917713, MONDO:0010311, OMIM 300376.
Duchenne muscular dystrophy (DMD). Also called: Duchenne Muscular Dystrophy (DMD); MUSCULAR DYSTROPHY, PSEUDOHYPERTROPHIC PROGRESSIVE, DUCHENNE TYPE. Identifiers: Orphanet 98896, MedGen C0013264, MONDO:0010679, OMIM 310200.

Allele frequency attached by ClinVar (database versions not stated): gnomAD exomes 0.00001 and below 0.00001; TOPMed 0.00001.
gnomAD v4.1: 2 of 1,210,726 alleles (0.00017%); highest among the groups gnomAD compares: Admixed American, 0.0044%; no homozygotes.

Submissions (2):

Labcorp Genetics (formerly Invitae), Labcorp
Classification: Uncertain significance for Duchenne muscular dystrophy. Last evaluated: 2024-12-27. Review status: criteria provided, single submitter. Criteria: Invitae Variant Classification Sherloc (09022015). Collection method: clinical testing. Allele origin: germline.
Comment: This sequence change replaces glutamine, which is neutral and polar, with glutamic acid, which is acidic and polar, at codon 673 of the DMD protein (p.Gln673Glu). This variant is present in population databases (no rsID available, gnomAD 0.008%). This variant has not been reported in the literature in individuals affected with DMD-related conditions. ClinVar contains an entry for this variant (Variation ID: 1467637). Invitae Evidence Modeling of protein sequence and biophysical properties (such as structural, functional, and spatial information, amino acid conservation, physicochemical variation, residue mobility, and thermodynamic stability) indicates that this missense variant is not expected to disrupt DMD protein function with a negative predictive value of 95%. In summary, the available evidence is currently insufficient to determine the role of this variant in disease. Therefore, it has been classified as a Variant of Uncertain Significance.

Fulgent Genetics
Classification: Uncertain significance for Becker muscular dystrophy; Dilated cardiomyopathy 3B; Duchenne muscular dystrophy. Last evaluated: 2021-10-08. Review status: criteria provided, single submitter. Criteria: ACMG Guidelines, 2015. Collection method: clinical testing. Allele origin: unknown.